The following is an entry in ClinVar:

ClinVar aggregate classification (germline): Uncertain significance. Review status: criteria provided, multiple submitters, no conflicts (2 of 4 stars). 2 submissions from 2 submitters: Uncertain significance (2). Last evaluated 2024-11-19.

Allele frequency attached by ClinVar (database versions not stated): TOPMed below 0.00001; gnomAD 0.00001.
gnomAD v4.1: 9 of 1,613,462 alleles (0.00056%); highest among the groups gnomAD compares: Admixed American, 0.0067%; no homozygotes.

Submissions (2):

Women's Health and Genetics/Laboratory Corporation of America, LabCorp
Classification: Uncertain significance. Last evaluated: 2024-11-19. Review status: criteria provided, single submitter. Criteria: LabCorp Variant Classification Summary - May 2015. Collection method: clinical testing. Allele origin: germline.
Comment: Variant summary: PCLO c.10228C>T (p.Pro3410Ser) results in a non-conservative amino acid change in the encoded protein sequence. Four of five in-silico tools predict a benign effect of the variant on protein function. The variant allele was found at a frequency of 1.2e-05 in 248956 control chromosomes. The available data on variant occurrences in the general population are insufficient to allow any conclusion about variant significance. To our knowledge, no occurrence of c.10228C>T in individuals affected with Pontocerebellar Hypoplasia Type 3 and no experimental evidence demonstrating its impact on protein function have been reported. ClinVar contains an entry for this variant (Variation ID: 1409115). Based on the evidence outlined above, the variant was classified as uncertain significance.

Labcorp Genetics (formerly Invitae), Labcorp
Classification: Uncertain significance. Last evaluated: 2023-04-03. Review status: criteria provided, single submitter. Criteria: Invitae Variant Classification Sherloc (09022015). Collection method: clinical testing. Allele origin: germline.
Comment: Experimental studies and prediction algorithms are not available or were not evaluated, and the functional significance of this variant is currently unknown. ClinVar contains an entry for this variant (Variation ID: 1409115). This variant has not been reported in the literature in individuals affected with PCLO-related conditions. This variant is present in population databases (rs748441878, gnomAD 0.009%). This sequence change replaces proline, which is neutral and non-polar, with serine, which is neutral and polar, at codon 3410 of the PCLO protein (p.Pro3410Ser). In summary, the available evidence is currently insufficient to determine the role of this variant in disease. Therefore, it has been classified as a Variant of Uncertain Significance.

NM_033026.6(PCLO):c.10228C>T (p.Pro3410Ser)

Gene: PCLO (piccolo presynaptic cytomatrix protein; minus strand). Cytogenetic location: 7q21.11.
Variant type: single nucleotide variant.
Coding change: c.10228C>T on transcript NM_033026.6 (MANE Select); coding-DNA position 10228, C replaced by T.
Protein change: p.Pro3410Ser; replaces proline 3410 with serine.
Molecular consequence: missense variant.
Genome position (GRCh38, 1-based): chr7:82,950,360, G>A on the plus strand (C>T on the coding strand, the complement: PCLO is on the minus strand). VCF-style: chr7-82950360-G-A. GRCh37 (hg19) VCF-style: chr7-82579676-G-A.
Other names: c.10228C>T, p.Pro3410Ser (NM_014510.3); short protein forms P3410S.
Identifiers: ClinVar variation 1409115 (VCV001409115.5), dbSNP rs748441878, ClinGen allele CA4319772.
Genomic context (GRCh38, chr7:82,950,360, plus strand): 5'-TATTTTCTCCCATGTCATCATACTGTCCTCGGACTTTAGCTCCAGAACTTCTCTTTTTGG[G>A]TTGTTTTTCCTCTTTCACAACAACATCTGTTAGAGGTATTTCTGAAACAGTGCTCAGGAT-3'
Protein context (NP_149015.2, residues 3400-3420): TDVVVKEEKQ[Pro3410Ser]KKRSSGAKVR